The following is an entry in ClinVar:

NM_001371928.1(AHDC1):c.2520dup (p.Arg841fs)

Gene: AHDC1 (AT-hook DNA binding motif containing 1; minus strand). Cytogenetic location: 1p36.11.
Variant type: Duplication.
Coding change: c.2520dup on transcript NM_001371928.1 (MANE Select); coding-DNA position 2520, one base duplicated (T; older notation c.2520dupT).
Protein change: p.Arg841fs; shifts the reading frame from arginine 841.
Molecular consequence: frameshift variant.
Genome position (GRCh38, 1-based): chr1:27,549,596, A duplicated on the plus strand (T on the coding strand, the reverse complement: AHDC1 is on the minus strand); the first of 3 consecutive A bases (chr1:27,549,596-27,549,598); duplicating any one gives the same sequence. VCF-style (leftmost placement, unchanged base first): chr1-27549595-G-GA. GRCh37 (hg19) VCF-style: chr1-27876106-G-GA.
Other names: c.2520dupT (NM_001029882.2); c.2520dup, p.Arg841fs (NM_001029882.3); short protein forms R841fs.
Identifiers: ClinVar variation 1722315 (VCV001722315.2), dbSNP rs2148276974, ClinGen allele CA2580062669.

ClinVar aggregate classification (germline): Pathogenic/Likely pathogenic. Review status: criteria provided, multiple submitters, no conflicts (2 of 4 stars). 2 submissions from 2 submitters: Pathogenic (1); Likely pathogenic (1). Last evaluated 2026-06-30.

Conditions:
Inborn genetic diseases. Identifiers: MedGen C0950123, MeSH D030342.
AHDC1-related intellectual disability - obstructive sleep apnea - mild dysmorphism syndrome. Also called: Xia-Gibbs syndrome. Identifiers: Orphanet 412069, MedGen C4014419, MONDO:0014358, OMIM 615829.

Submissions (2):

Ambry Genetics
Classification: Pathogenic for Inborn genetic diseases. Last evaluated: 2026-06-30. Review status: criteria provided, single submitter. Criteria: Ambry Variant Classification Scheme 2023. Collection method: clinical testing. Allele origin: germline.
Comment: The c.2520dupT (p.R841Sfs*8) alteration, located in exon 6 (coding exon 1) of the AHDC1 gene, consists of a duplication of T at position 2520, causing a translational frameshift with a predicted alternate stop codon after 8 amino acids. This variant is expected to result in loss of function by premature protein truncation or nonsense-mediated mRNA decay. This variant was not reported in population-based cohorts in the Genome Aggregation Database (gnomAD). This variant was determined to be de novo in at least one individual with features consistent with Xia-Gibbs syndrome (Baalmann, 2023). Based on the available evidence, this alteration is classified as pathogenic.

CENTOGENE GmbH and LLC - Guiding Precision Medicine
Classification: Likely pathogenic for AHDC1-related intellectual disability - obstructive sleep apnea - mild dysmorphism syndrome. Last evaluated: 2017-05-23. Review status: criteria provided, single submitter. Criteria: ACMG Guidelines, 2015. Collection method: clinical testing. Allele origin: de novo. Affected: yes.

Literature cited by the submitters: PubMed 37120078 (cited by Ambry Genetics).